The following is an entry in ClinVar:

ClinVar aggregate classification (germline): Likely benign (0 of 4 stars; one submission).

Conditions:
SHBG-related disorder. Also called: SHBG-related condition.

Allele frequency attached by ClinVar (database versions not stated): TOPMed 0.00001; gnomAD 0.00004; gnomAD exomes 0.00010; ExAC 0.00035; 1000 Genomes Project 0.00040; 1000 Genomes Project 30x 0.00047.
gnomAD v4.1: 154 of 1,611,920 alleles (0.0096%); highest among the groups gnomAD compares: South Asian, 0.16%; 1 homozygote.

Submission:

PreventionGenetics, part of Exact Sciences
Classification: Likely benign for SHBG-related condition. Last evaluated: 2022-05-10. Review status: no assertion criteria provided. Collection method: clinical testing. Allele origin: germline.
Comment: This variant is classified as likely benign based on ACMG/AMP sequence variant interpretation guidelines (Richards et al. 2015 PMID: 25741868, with internal and published modifications).

NM_001040.5(SHBG):c.459G>C (p.Leu153=)

Gene: SHBG (sex hormone binding globulin; plus strand). Cytogenetic location: 17p13.1.
Variant type: single nucleotide variant.
Coding change: c.459G>C on transcript NM_001040.5 (MANE Select); coding-DNA position 459, G replaced by C.
Protein change: p.Leu153=; no amino-acid change (leucine 153 retained).
Molecular consequence: synonymous variant.
Genome position (GRCh38, 1-based): chr17:7,631,265, G>C. VCF-style: chr17-7631265-G-C. GRCh37 (hg19) VCF-style: chr17-7534583-G-C.
Other names: c.459G>C, p.Leu153= (NM_001146279.3, NM_001146280.3, NM_001146281.3); c.285G>C, p.Leu95= (NM_001289113.2, NM_001289114.2, NM_001289115.2); c.111G>C, p.Leu37= (NM_001289116.2).
Identifiers: ClinVar variation 3045246 (VCV003045246.2), dbSNP rs566066937, ClinGen allele CA8354271.
Genomic context (GRCh38, chr17:7,631,265, plus strand): 5'-AGTCAAGATGGAGGGGGACTCTGTGCTGCTGGAGGTGGATGGGGAGGAGGTGCTGCGCCT[G>C]AGACAGGTCTCTGGGCCCCTGACCAGCAAACGCCATCCCATCATGAGGATTGCGCTTGGG-3'
Protein context (NP_001031.2, residues 143-163): LEVDGEEVLR[Leu153=]RQVSGPLTSK